The following is an entry in ClinVar:

NM_015662.3(IFT172):c.2010A>G (p.Val670=)

Gene: IFT172 (intraflagellar transport 172; minus strand). Cytogenetic location: 2p23.3.
Variant type: single nucleotide variant.
Coding change: c.2010A>G on transcript NM_015662.3 (MANE Select); coding-DNA position 2010, A replaced by G.
Protein change: p.Val670=; no amino-acid change (valine 670 retained).
Molecular consequence: synonymous variant.
Genome position (GRCh38, 1-based): chr2:27,463,109, T>C on the plus strand (A>G on the coding strand, the complement: IFT172 is on the minus strand). VCF-style: chr2-27463109-T-C. GRCh37 (hg19) VCF-style: chr2-27685976-T-C.
Other names: c.1944A>G, p.Val648= (NM_001410739.1).
Identifiers: ClinVar variation 3353471 (VCV003353471.1).

ClinVar aggregate classification (germline): Likely benign (0 of 4 stars; one submission).

Conditions:
IFT172-related disorder. Also called: IFT172-related disorders; IFT172-related condition.

gnomAD v4.1: 3 of 1,614,028 alleles (0.00019%); highest among the groups gnomAD compares: Admixed American, 0.0017%; no homozygotes.

Submission:

PreventionGenetics, part of Exact Sciences
Classification: Likely benign for IFT172-related condition. Last evaluated: 2022-05-12. Review status: no assertion criteria provided. Collection method: clinical testing. Allele origin: germline.
Comment: This variant is classified as likely benign based on ACMG/AMP sequence variant interpretation guidelines (Richards et al. 2015 PMID: 25741868, with internal and published modifications).